The following is an entry in ClinVar:

NM_000297.4(PKD2):c.1571T>A (p.Ile524Asn)

Gene: PKD2 (polycystin 2, transient receptor potential cation channel; plus strand). Cytogenetic location: 4q22.1.
Variant type: single nucleotide variant.
Coding change: c.1571T>A on transcript NM_000297.4 (MANE Select); coding-DNA position 1571, T replaced by A.
Protein change: p.Ile524Asn; replaces isoleucine 524 with asparagine.
Molecular consequence: missense variant. On other transcripts: non-coding transcript variant (1).
Genome position (GRCh38, 1-based): chr4:88,052,013, T>A. VCF-style: chr4-88052013-T-A. GRCh37 (hg19) VCF-style: chr4-88973165-T-A.
Other names: c.1346T>A, p.Ile449Asn (NM_001440544.1); short protein forms I524N, I449N.
Identifiers: ClinVar variation 5006809 (VCV005006809.2).

ClinVar aggregate classification (germline): Uncertain significance (1 of 4 stars; one submission).

Conditions:
Polycystic kidney disease 2 (PKD2). Also called: Polycystic Kidney Disease 2, Autosomal Dominant; POLYCYSTIC KIDNEY DISEASE 2 WITH OR WITHOUT POLYCYSTIC LIVER DISEASE; POLYCYSTIC KIDNEY DISEASE, ADULT, TYPE II. Identifiers: MedGen C2751306, MONDO:0013131, OMIM 613095.

Submission:

Juno Genomics, Hangzhou Juno Genomics, Inc
Classification: Uncertain significance for Polycystic kidney disease 2. Review status: criteria provided, single submitter. Criteria: ACMG Guidelines, 2015. Collection method: clinical testing. Allele origin: germline.
Comment: Absent from controls (or at extremely low frequency if recessive) in Genome Aggregation Database.;Multiple lines of computational evidence support a deleterious effect on the gene or gene product.